The following is an entry in ClinVar:

NM_058169.6(BORCS5):c.420del (p.Lys141fs)

Gene: BORCS5 (BLOC-1 related complex subunit 5; plus strand). Cytogenetic location: 12p13.2.
Variant type: Deletion.
Coding change: c.420del on transcript NM_058169.6 (MANE Select); coding-DNA position 420, one base deleted (C; older notation c.420delC).
Protein change: p.Lys141fs; shifts the reading frame from lysine 141.
Molecular consequence: frameshift variant.
Genome position (GRCh38, 1-based): chr12:12,465,605, C deleted; the last of 2 consecutive C bases (chr12:12,465,604-12,465,605); deleting either gives the same sequence. VCF-style (leftmost placement, unchanged base first): chr12-12465603-GC-G. GRCh37 (hg19) VCF-style: chr12-12618537-GC-G.
Other names: c.363del, p.Lys122fs (NM_001300742.3); c.276del, p.Lys93fs (NM_001330356.2); short protein forms K122fs, K141fs, K93fs.
Identifiers: ClinVar variation 4292580 (VCV004292580.1).

ClinVar aggregate classification (germline): Likely pathogenic (1 of 4 stars; one submission).

Conditions:
BORCS5-related disorder.

Submission:

3billion
Classification: Likely pathogenic for BORCS5-related disorder. Last evaluated: 2024-08-30. Review status: criteria provided, single submitter. Criteria: ACMG Guidelines, 2015. Collection method: clinical testing. Allele origin: germline. Affected: yes.
Comment: The variant is not observed in the gnomAD v4.0.0 dataset. Predicted Consequence/Location: Frameshift variant Therefore, this variant is classified as VUS according to the recommendation of ACMG/AMP guideline.